The following is an entry in ClinVar:

ClinVar aggregate classification (germline): Pathogenic/Likely pathogenic. Review status: criteria provided, multiple submitters, no conflicts (2 of 4 stars). 3 submissions from 3 submitters: Pathogenic (2); Likely pathogenic (1). Last evaluated 2025-04-28.

Conditions:
COL4A1-related disorder. Also called: COL4A1-related disorders; COL4A1-related condition. Identifiers: MedGen CN376119, MONDO:0800461.
Inborn genetic diseases. Identifiers: MedGen C0950123, MeSH D030342.

Submissions (3):

GeneDx
Classification: Pathogenic. Last evaluated: 2025-04-28. Review status: criteria provided, single submitter. Criteria: GeneDx Variant Classification Process June 2021. Collection method: clinical testing. Allele origin: germline. Affected: yes.
Comment: Identified in patients with features consistent with COL4A1-related small vessel disease with multiple anomalies referred for genetic testing at GeneDx and in published literature, including multiple apparently de novo occurrences (PMID: 30413629, 32732225); Affects a glycine residue in a Gly-X-Y motif in the triple helical region of the COL4A1 gene, where the majority of pathogenic missense variants occur, and is predicted to disrupt normal protein folding and function (HGMD; PMID: 22522439, 23225343); Not observed at significant frequency in large population cohorts (gnomAD); In silico analysis supports that this missense variant has a deleterious effect on protein structure/function; This variant is associated with the following publications: (PMID: 35699195, 30413629, 32732225, 31628766, 22522439, 23225343)

Blueprint Genetics
Classification: Pathogenic for COL4A1-related disorders. Last evaluated: 2022-10-11. Review status: criteria provided, single submitter. Criteria: ACMG Guidelines, 2015. Collection method: clinical testing. Allele origin: germline. Affected: yes. Observed: 1 variant allele.

Ambry Genetics
Classification: Likely pathogenic for Inborn genetic diseases. Last evaluated: 2017-04-11. Review status: criteria provided, single submitter. Criteria: Ambry exome assertion method (8-5-2015). Collection method: clinical testing. Allele origin: germline. Affected: yes. Observed: 1 variant allele.

NM_001845.6(COL4A1):c.2096G>A (p.Gly699Asp)

Gene: COL4A1 (collagen type IV alpha 1 chain; minus strand). Cytogenetic location: 13q34.
Variant type: single nucleotide variant.
Coding change: c.2096G>A on transcript NM_001845.6 (MANE Select); coding-DNA position 2096, G replaced by A.
Protein change: p.Gly699Asp; replaces glycine 699 with aspartic acid.
Molecular consequence: missense variant.
Genome position (GRCh38, 1-based): chr13:110,181,389, C>T on the plus strand (G>A on the coding strand, the complement: COL4A1 is on the minus strand). VCF-style: chr13-110181389-C-T. GRCh37 (hg19) VCF-style: chr13-110833736-C-T.
Other names: short protein forms G699D.
Identifiers: ClinVar variation 422683 (VCV000422683.8), dbSNP rs1064795935, ClinGen allele CA16619614.